The following is an entry in ClinVar:

ClinVar aggregate classification (germline): Likely pathogenic (1 of 4 stars; one submission).

Allele frequency attached by ClinVar (database versions not stated): gnomAD exomes below 0.00001.
gnomAD v4.1: 1 of 1,607,100 alleles (0.000062%); highest among the groups gnomAD compares: Non-Finnish European, 0.000085%; no homozygotes.

Submission:

Labcorp Genetics (formerly Invitae), Labcorp
Classification: Likely pathogenic. Last evaluated: 2021-09-09. Review status: criteria provided, single submitter. Criteria: Invitae Variant Classification Sherloc (09022015). Collection method: clinical testing. Allele origin: germline.
Comment: This sequence change affects an acceptor splice site in intron 71 of the ADGRV1 gene. It is expected to disrupt RNA splicing. Variants that disrupt the donor or acceptor splice site typically lead to a loss of protein function (PMID: 16199547), and loss-of-function variants in ADGRV1 are known to be pathogenic (PMID: 19357117, 22135276, 22147658, 26226137, 26667666, 30029497, 32467589). This variant is not present in population databases (ExAC no frequency). This variant has not been reported in the literature in individuals affected with ADGRV1-related conditions. Algorithms developed to predict the effect of sequence changes on RNA splicing suggest that this variant may disrupt the consensus splice site. In summary, the currently available evidence indicates that the variant is pathogenic, but additional data are needed to prove that conclusively. Therefore, this variant has been classified as Likely Pathogenic.

Literature cited by the submitters: PubMed 16199547; PubMed 19357117; PubMed 22135276; PubMed 22147658; PubMed 26226137; PubMed 26667666; PubMed 30029497; PubMed 32467589.

NM_032119.4(ADGRV1):c.14662-2A>C

Gene: ADGRV1 (adhesion G protein-coupled receptor V1; plus strand). Cytogenetic location: 5q14.3.
Variant type: single nucleotide variant.
Coding change: c.14662-2A>C on transcript NM_032119.4 (MANE Select); the canonical splice acceptor site of the intron before coding-DNA position 14662, A replaced by C.
Molecular consequence: splice acceptor variant.
Genome position (GRCh38, 1-based): chr5:90,805,282, A>C. VCF-style: chr5-90805282-A-C. GRCh37 (hg19) VCF-style: chr5-90101099-A-C.
Identifiers: ClinVar variation 1469515 (VCV001469515.6), dbSNP rs1761796594, ClinGen allele CA360406059.